The following is an entry in ClinVar:

NM_021942.6(TRAPPC11):c.2591C>G (p.Thr864Ser)

Gene: TRAPPC11 (trafficking protein particle complex subunit 11; plus strand). Cytogenetic location: 4q35.1.
Variant type: single nucleotide variant.
Coding change: c.2591C>G on transcript NM_021942.6 (MANE Select); coding-DNA position 2591, C replaced by G.
Protein change: p.Thr864Ser; replaces threonine 864 with serine.
Molecular consequence: missense variant.
Genome position (GRCh38, 1-based): chr4:183,694,686, C>G. VCF-style: chr4-183694686-C-G. GRCh37 (hg19) VCF-style: chr4-184615839-C-G.
Other names: c.2591C>G, p.Thr864Ser (NM_199053.3); short protein forms T864S.
Identifiers: ClinVar variation 1940188 (VCV001940188.5), dbSNP rs2476919967, ClinGen allele CA358872339.

ClinVar aggregate classification (germline): Uncertain significance (1 of 4 stars; one submission).

Conditions:
Autosomal recessive limb-girdle muscular dystrophy type R18 (LGMDR18). Also called: Limb-girdle muscular dystrophy, type 2S; MUSCULAR DYSTROPHY, LIMB-GIRDLE, AUTOSOMAL RECESSIVE 18; Autosomal recessive limb-girdle muscular dystrophy type 2S. Identifiers: Orphanet 369840, MedGen C4517996, MONDO:0014144, OMIM 615356.

gnomAD v4.1: 1 of 1,607,592 alleles (0.000062%); no homozygotes.

Submission:

Labcorp Genetics (formerly Invitae), Labcorp
Classification: Uncertain significance for Autosomal recessive limb-girdle muscular dystrophy type R18. Last evaluated: 2022-10-17. Review status: criteria provided, single submitter. Criteria: Invitae Variant Classification Sherloc (09022015). Collection method: clinical testing. Allele origin: germline.
Comment: In summary, the available evidence is currently insufficient to determine the role of this variant in disease. Therefore, it has been classified as a Variant of Uncertain Significance. Advanced modeling of protein sequence and biophysical properties (such as structural, functional, and spatial information, amino acid conservation, physicochemical variation, residue mobility, and thermodynamic stability) performed at Invitae indicates that this missense variant is not expected to disrupt TRAPPC11 protein function. This variant has not been reported in the literature in individuals affected with TRAPPC11-related conditions. This variant is not present in population databases (gnomAD no frequency). This sequence change replaces threonine, which is neutral and polar, with serine, which is neutral and polar, at codon 864 of the TRAPPC11 protein (p.Thr864Ser).